The following is an entry in ClinVar:

NM_173660.5(DOK7):c.731G>A (p.Arg244Gln)

Genes: DOK7 (docking protein 7; plus strand), LOC129992118 (ATAC-STARR-seq lymphoblastoid silent region 15206; plus strand). Cytogenetic location: 4p16.3.
Variant type: single nucleotide variant.
Coding change: c.731G>A on transcript NM_173660.5 (MANE Select); coding-DNA position 731, G replaced by A.
Protein change: p.Arg244Gln; replaces arginine 244 with glutamine.
Molecular consequence: missense variant. On other transcripts: synonymous variant (1), 5 prime UTR variant (1).
Genome position (GRCh38, 1-based): chr4:3,489,755, G>A. VCF-style: chr4-3489755-G-A. GRCh37 (hg19) VCF-style: chr4-3491482-G-A.
Other names: c.720G>A, p.Ala240= (NM_001164673.2); c.-200G>A (NM_001256896.2); c.731G>A, p.Arg244Gln (NM_001301071.2); c.299G>A, p.Arg100Gln (NM_001363811.2); c.731G>A (NM_173660.4); short protein forms R100Q, R244Q.
Identifiers: ClinVar variation 2420918 (VCV002420918.12), dbSNP rs755873468, ClinGen allele CA2829161.

ClinVar aggregate classification (germline): Uncertain significance. Review status: criteria provided, multiple submitters, no conflicts (2 of 4 stars). 3 submissions from 3 submitters: Uncertain significance (3). Last evaluated 2025-02-20.

Conditions:
Inborn genetic diseases. Identifiers: MedGen C0950123, MeSH D030342.
Congenital myasthenic syndrome 10. Also called: Myasthenia, limb-girdle, familial. Identifiers: Orphanet 590, MedGen C1850792, MONDO:0009690, OMIM 254300.
Fetal akinesia deformation sequence 1 (FADS1). Also called: Pena-Shokeir syndrome type I; Fetal akinesia sequence. Identifiers: Orphanet 994, MedGen C1276035, MONDO:0100101, OMIM 208150, HP:0001989.

Allele frequency attached by ClinVar (database versions not stated): gnomAD 0.00009; ExAC 0.00019.

Submissions (3):

Ambry Genetics
Classification: Uncertain significance for Inborn genetic diseases. Last evaluated: 2025-02-20. Review status: criteria provided, single submitter. Criteria: Ambry Variant Classification Scheme 2023. Collection method: clinical testing. Allele origin: germline.

Revvity Omics, Revvity
Classification: Uncertain significance. Last evaluated: 2022-12-22. Review status: criteria provided, single submitter. Criteria: ACMG Guidelines, 2015. Collection method: clinical testing. Allele origin: germline.

Labcorp Genetics (formerly Invitae), Labcorp
Classification: Uncertain significance for Congenital myasthenic syndrome 10; Fetal akinesia deformation sequence 1. Last evaluated: 2022-08-20. Review status: criteria provided, single submitter. Criteria: Invitae Variant Classification Sherloc (09022015). Collection method: clinical testing. Allele origin: germline.
Comment: This sequence change replaces arginine, which is basic and polar, with glutamine, which is neutral and polar, at codon 244 of the DOK7 protein (p.Arg244Gln). This variant is present in population databases (rs755873468, gnomAD 0.01%). This variant has not been reported in the literature in individuals affected with DOK7-related conditions. Algorithms developed to predict the effect of missense changes on protein structure and function are either unavailable or do not agree on the potential impact of this missense change (SIFT: "Deleterious"; PolyPhen-2: "Possibly Damaging"; Align-GVGD: "Class C0"). In summary, the available evidence is currently insufficient to determine the role of this variant in disease. Therefore, it has been classified as a Variant of Uncertain Significance.